The following is an entry in ClinVar:

NM_002230.4(JUP):c.2105G>A (p.Arg702His)

Gene: JUP (junction plakoglobin; minus strand). Cytogenetic location: 17q21.2.
Variant type: single nucleotide variant.
Coding change: c.2105G>A on transcript NM_002230.4 (MANE Select); coding-DNA position 2105, G replaced by A.
Protein change: p.Arg702His; replaces arginine 702 with histidine.
Molecular consequence: missense variant.
Genome position (GRCh38, 1-based): chr17:41,755,877, C>T on the plus strand (G>A on the coding strand, the complement: JUP is on the minus strand). VCF-style: chr17-41755877-C-T. GRCh37 (hg19) VCF-style: chr17-39912129-C-T.
Other names: c.2105G>A, p.Arg702His (NM_001352773.2, NM_001352774.2, NM_001352775.2 and 3 more transcripts); c.2105G>A (NM_002230.3); short protein forms R702H.
Identifiers: ClinVar variation 178849 (VCV000178849.27), dbSNP rs200690479, ClinGen allele CA183151.

ClinVar aggregate classification (germline): Conflicting classifications of pathogenicity. Review status: criteria provided, conflicting classifications (1 of 4 stars). 8 submissions from 8 submitters: Uncertain significance (7); Benign (1). Last evaluated 2025-10-14.

Conditions:
Naxos disease (NXD). Also called: CARDIOMYOPATHY, ARRHYTHMOGENIC RIGHT VENTRICULAR, WITH SKIN, HAIR, AND NAIL ABNORMALITIES; KERATOSIS PALMOPLANTARIS WITH ARRHYTHMOGENIC CARDIOMYOPATHY; MAL DE NAXOS; PALMOPLANTAR KERATODERMA WITH ARRHYTHMOGENIC RIGHT VENTRICULAR CARDIOMYOPATHY AND WOOLLY HAIR; WOOLLY HAIR, PALMOPLANTAR KERATODERMA, AND CARDIAC ABNORMALITIES. Identifiers: Orphanet 34217, MedGen C1832600, MONDO:0011017, OMIM 601214.
Arrhythmogenic right ventricular dysplasia 12. Also called: ARRHYTHMOGENIC RIGHT VENTRICULAR DYSPLASIA, FAMILIAL, 12. Identifiers: MedGen C1969081, MONDO:0012684, OMIM 611528.
Cardiovascular phenotype. Identifiers: MedGen CN230736.
Cardiomyopathy (CMYO). Also called: Cardiomyopathies. Identifiers: Orphanet 167848, MedGen C0878544, MONDO:0004994, HP:0001638. Inheritance: Various modes of inheritance.

Allele frequency attached by ClinVar (database versions not stated): TOPMed 0.00002; gnomAD 0.00004; gnomAD exomes 0.00004 and 0.00006; ExAC 0.00008.
gnomAD v4.1: 60 of 1,609,514 alleles (0.0037%); highest among the groups gnomAD compares: Non-Finnish European, 0.0046%; no homozygotes.

Submissions (8):

Labcorp Genetics (formerly Invitae), Labcorp
Classification: Uncertain significance for Arrhythmogenic right ventricular dysplasia 12; Naxos disease. Last evaluated: 2025-10-14. Review status: criteria provided, single submitter. Criteria: Invitae Variant Classification Sherloc (09022015). Collection method: clinical testing. Allele origin: germline.
Comment: This sequence change replaces arginine, which is basic and polar, with histidine, which is basic and polar, at codon 702 of the JUP protein (p.Arg702His). This variant is present in population databases (rs200690479, gnomAD 0.01%). This variant has not been reported in the literature in individuals affected with JUP-related conditions. ClinVar contains an entry for this variant (Variation ID: 178849). An algorithm developed to predict the effect of missense changes on protein structure and function (PolyPhen-2) suggests that this variant is likely to be tolerated. In summary, the available evidence is currently insufficient to determine the role of this variant in disease. Therefore, it has been classified as a Variant of Uncertain Significance.

Ambry Genetics
Classification: Benign for Cardiovascular phenotype. Last evaluated: 2025-07-21. Review status: criteria provided, single submitter. Criteria: Ambry Variant Classification Scheme 2023. Collection method: clinical testing. Allele origin: germline.

Molecular Diagnostic Laboratory for Inherited Cardiovascular Disease, Montreal Heart Institute
Classification: Uncertain significance for Cardiovascular phenotype. Last evaluated: 2025-04-08. Review status: criteria provided, single submitter. Criteria: ACMG Guidelines, 2015. Collection method: clinical testing. Allele origin: germline. Affected: yes.

CHEO Genetics Diagnostic Laboratory, Children's Hospital of Eastern Ontario
Classification: Uncertain significance for Cardiomyopathy. Last evaluated: 2023-03-16. Review status: criteria provided, single submitter. Criteria: ACMG Guidelines, 2015. Collection method: clinical testing. Allele origin: germline.

Fulgent Genetics
Classification: Uncertain significance for Naxos disease; Arrhythmogenic right ventricular dysplasia 12. Last evaluated: 2021-10-20. Review status: criteria provided, single submitter. Criteria: ACMG Guidelines, 2015. Collection method: clinical testing. Allele origin: unknown.

GeneDx
Classification: Uncertain significance. Last evaluated: 2019-10-31. Review status: criteria provided, single submitter. Criteria: GeneDx Variant Classification Process June 2021. Collection method: clinical testing. Allele origin: germline. Affected: yes.
Comment: Reported in ClinVar as a variant of uncertain significance (ClinVar Variant ID# 178849; Landrum et al., 2016); In silico analysis, which includes protein predictors and evolutionary conservation, supports that this variant does not alter protein structure/function; This variant is associated with the following publications: (PMID: 23861362)

Laboratory for Molecular Medicine, Mass General Brigham Personalized Medicine
Classification: Uncertain significance. Last evaluated: 2015-05-16. Review status: criteria provided, single submitter. Criteria: LMM Criteria. Collection method: clinical testing. Allele origin: germline. Observed: 3 variant alleles.
Comment: This variant has also been identified in 8/66036 Euro pean chromosomes by the Exome Aggregation Consortium (ExAC; dbSNP rs200690479). Computational prediction tools and conservation analysis do not provide strong support for or against an impact to the protein. In summary, the clinical significance of the p.Arg702His variant is uncertain.

Biesecker Lab/Clinical Genomics Section, National Institutes of Health
Classification: Uncertain significance. Last evaluated: 2013-06-24. Review status: criteria provided, single submitter. Criteria: Ng et al. (Circ Cardiovasc Genet. 2013). Collection method: research. Allele origin: unknown. Observed: 1 variant allele. Study: ClinSeq.
Comment: The study set was not selected for affection status in relation to any cancer. Pathogenicity categories were based on literature curation. See Pubmed ID:23861362 for details.

Medical sequencing

Literature cited by the submitters: PubMed 33816578 (cited by Ambry Genetics); PubMed 23861362 (cited by Laboratory for Molecular Medicine, Mass General Brigham Personalized Medicine).